The following is an entry in ClinVar:

ClinVar aggregate classification (germline): Pathogenic (1 of 4 stars; one submission).

Conditions:
Neurofibromatosis, type 1 (NF1). Also called: VON RECKLINGHAUSEN DISEASE; NEUROFIBROMATOSIS, TYPE I, SOMATIC; Peripheral type neurofibromatosis; Neurofibromatosis, type I. Identifiers: Orphanet 636, MedGen C0027831, MONDO:0018975, OMIM 162200. Disease mechanism: loss of function.

Submission:

Labcorp Genetics (formerly Invitae), Labcorp
Classification: Pathogenic for Neurofibromatosis, type 1. Last evaluated: 2018-07-12. Review status: criteria provided, single submitter. Criteria: Invitae Variant Classification Sherloc (09022015). Collection method: clinical testing. Allele origin: germline.
Comment: This sequence change creates a premature translational stop signal (p.Tyr1604Ilefs*16) in the NF1 gene. It is expected to result in an absent or disrupted protein product. This variant is not present in population databases (ExAC no frequency). This variant has not been reported in the literature in individuals with NF1-related disease. Loss-of-function variants in NF1 are known to be pathogenic (PMID: 10712197, 23913538). For these reasons, this variant has been classified as Pathogenic.

Literature cited by the submitters: PubMed 10712197; PubMed 23913538.

NM_001042492.3(NF1):c.4872dup (p.Tyr1625fs)

Gene: NF1 (neurofibromin 1; plus strand). Cytogenetic location: 17q11.2.
Variant type: Duplication.
Coding change: c.4872dup on transcript NM_001042492.3 (MANE Select); coding-DNA position 4872, one base duplicated (A; older notation c.4872dupA).
Protein change: p.Tyr1625fs; shifts the reading frame from tyrosine 1625.
Molecular consequence: frameshift variant.
Genome position (GRCh38, 1-based): chr17:31,325,856, A duplicated. VCF-style (leftmost placement, unchanged base first): chr17-31325855-T-TA. GRCh37 (hg19) VCF-style: chr17-29652873-T-TA.
Other names: c.4809dupA (NM_000267.3); c.4809dup, p.Tyr1604Ilefs (NM_000267.4); short protein forms Y1604fs, Y1625fs.
Identifiers: ClinVar variation 662034 (VCV000662034.5), dbSNP rs1597829557, ClinGen allele CA915949785.